The following is an entry in ClinVar:

ClinVar aggregate classification (germline): Likely benign. Review status: criteria provided, multiple submitters, no conflicts (2 of 4 stars). 3 submissions from 3 submitters: Likely benign (3). Last evaluated 2024-10-24.

Conditions:
Inborn genetic diseases. Identifiers: MedGen C0950123, MeSH D030342.

Allele frequency attached by ClinVar (database versions not stated): gnomAD 0.00075; TOPMed 0.00083; ESP Exome Variant Server 0.00100; 1000 Genomes Project 0.00140; 1000 Genomes Project 30x 0.00187.
gnomAD v4.1: 210 of 1,603,954 alleles (0.013%); highest among the groups gnomAD compares: African/African-American, 0.24%; no homozygotes.

Submissions (3):

Labcorp Genetics (formerly Invitae), Labcorp
Classification: Likely benign. Last evaluated: 2024-10-24. Review status: criteria provided, single submitter. Criteria: Invitae Variant Classification Sherloc (09022015). Collection method: clinical testing. Allele origin: germline.

Ambry Genetics
Classification: Likely benign for Inborn genetic diseases. Last evaluated: 2024-03-04. Review status: criteria provided, single submitter. Criteria: Ambry Variant Classification Scheme 2023. Collection method: clinical testing. Allele origin: germline.

CeGaT Center for Human Genetics Tuebingen
Classification: Likely benign. Last evaluated: 2024-02-01. Review status: criteria provided, single submitter. Criteria: CeGaT Center For Human Genetics Tuebingen Variant Classification Criteria Version 2. Collection method: clinical testing. Allele origin: germline. Affected: yes. Observed: 1 variant allele.
Comment: NSD2: BS2

NM_001042424.3(NSD2):c.1733C>G (p.Ala578Gly)

Gene: NSD2 (nuclear receptor binding SET domain protein 2; plus strand). Cytogenetic location: 4p16.3.
Variant type: single nucleotide variant.
Coding change: c.1733C>G on transcript NM_001042424.3 (MANE Select); coding-DNA position 1733, C replaced by G.
Protein change: p.Ala578Gly; replaces alanine 578 with glycine.
Molecular consequence: missense variant.
Genome position (GRCh38, 1-based): chr4:1,938,509, C>G. VCF-style: chr4-1938509-C-G. GRCh37 (hg19) VCF-style: chr4-1940236-C-G.
Other names: c.1733C>G, p.Ala578Gly (NM_007331.2, NM_133330.3, NM_133331.3 and 2 more transcripts); short protein forms A578G.
Identifiers: ClinVar variation 1680180 (VCV001680180.31), dbSNP rs140182983, ClinGen allele CA2812210.